The following is an entry in ClinVar:

ClinVar aggregate classification (germline): Uncertain significance. Review status: criteria provided, multiple submitters, no conflicts (2 of 4 stars). 2 submissions from 2 submitters: Uncertain significance (2). Last evaluated 2025-05-26.

Allele frequency attached by ClinVar (database versions not stated): gnomAD exomes below 0.00001; gnomAD 0.00003; TOPMed 0.00006.
gnomAD v4.1: 7 of 1,613,660 alleles (0.00043%); highest among the groups gnomAD compares: Admixed American, 0.0083%; no homozygotes.

Submissions (2):

Ambry Genetics
Classification: Uncertain significance. Last evaluated: 2025-05-26. Review status: criteria provided, single submitter. Criteria: Ambry Variant Classification Scheme 2023. Collection method: clinical testing. Allele origin: germline.

Labcorp Genetics (formerly Invitae), Labcorp
Classification: Uncertain significance. Last evaluated: 2023-12-04. Review status: criteria provided, single submitter. Criteria: Invitae Variant Classification Sherloc (09022015). Collection method: clinical testing. Allele origin: germline.
Comment: This sequence change replaces threonine, which is neutral and polar, with alanine, which is neutral and non-polar, at codon 1494 of the SPTA1 protein (p.Thr1494Ala). This variant is not present in population databases (gnomAD no frequency). This variant has not been reported in the literature in individuals affected with SPTA1-related conditions. ClinVar contains an entry for this variant (Variation ID: 2382465). Advanced modeling of protein sequence and biophysical properties (such as structural, functional, and spatial information, amino acid conservation, physicochemical variation, residue mobility, and thermodynamic stability) performed at Invitae indicates that this missense variant is not expected to disrupt SPTA1 protein function with a negative predictive value of 80%. In summary, the available evidence is currently insufficient to determine the role of this variant in disease. Therefore, it has been classified as a Variant of Uncertain Significance.

NM_003126.4(SPTA1):c.4480A>G (p.Thr1494Ala)

Gene: SPTA1 (spectrin alpha, erythrocytic 1; minus strand). Cytogenetic location: 1q23.1.
Variant type: single nucleotide variant.
Coding change: c.4480A>G on transcript NM_003126.4 (MANE Select); coding-DNA position 4480, A replaced by G.
Protein change: p.Thr1494Ala; replaces threonine 1494 with alanine.
Molecular consequence: missense variant.
Genome position (GRCh38, 1-based): chr1:158,642,939, T>C on the plus strand (A>G on the coding strand, the complement: SPTA1 is on the minus strand). VCF-style: chr1-158642939-T-C. GRCh37 (hg19) VCF-style: chr1-158612729-T-C.
Other names: short protein forms T1494A.
Identifiers: ClinVar variation 2382465 (VCV002382465.6), dbSNP rs919726412, ClinGen allele CA31267336.